The following is an entry in ClinVar:

NM_000540.3(RYR1):c.9131G>A (p.Cys3044Tyr)

Gene: RYR1 (ryanodine receptor 1; plus strand). Cytogenetic location: 19q13.2.
Variant type: single nucleotide variant.
Coding change: c.9131G>A on transcript NM_000540.3 (MANE Select); coding-DNA position 9131, G replaced by A.
Protein change: p.Cys3044Tyr; replaces cysteine 3044 with tyrosine.
Molecular consequence: missense variant.
Genome position (GRCh38, 1-based): chr19:38,511,569, G>A. VCF-style: chr19-38511569-G-A. GRCh37 (hg19) VCF-style: chr19-39002209-G-A.
Other names: c.9131G>A, p.Cys3044Tyr (NM_001042723.2); short protein forms C3044Y.
Identifiers: ClinVar variation 2505595 (VCV002505595.1), dbSNP rs2514399926, ClinGen allele CA405684376.

ClinVar aggregate classification (germline): Uncertain significance (1 of 4 stars; one submission).

Submission:

GeneDx
Classification: Uncertain significance. Last evaluated: 2022-12-16. Review status: criteria provided, single submitter. Criteria: GeneDx Variant Classification Process June 2021. Collection method: clinical testing. Allele origin: germline. Affected: yes.
Comment: Not observed at significant frequency in large population cohorts (gnomAD); In silico analysis supports that this missense variant has a deleterious effect on protein structure/function; Has not been previously published as pathogenic or benign to our knowledge; This variant is associated with the following publications: (PMID: 12668474)